The following is an entry in ClinVar:

NM_004369.4(COL6A3):c.5979T>C (p.His1993=)

Gene: COL6A3 (collagen type VI alpha 3 chain; minus strand). Cytogenetic location: 2q37.3.
Variant type: single nucleotide variant.
Coding change: c.5979T>C on transcript NM_004369.4 (MANE Select); coding-DNA position 5979, T replaced by C.
Protein change: p.His1993=; no amino-acid change (histidine 1993 retained).
Molecular consequence: synonymous variant.
Genome position (GRCh38, 1-based): chr2:237,363,337, A>G on the plus strand (T>C on the coding strand, the complement: COL6A3 is on the minus strand). VCF-style: chr2-237363337-A-G. GRCh37 (hg19) VCF-style: chr2-238271980-A-G.
Other names: c.4158T>C, p.His1386= (NM_057166.5); c.5361T>C, p.His1787= (NM_057167.4).
Identifiers: ClinVar variation 5040239 (VCV005040239.1).

ClinVar aggregate classification (germline): Likely benign (1 of 4 stars; one submission).

Submission:

CeGaT Center for Human Genetics Tuebingen
Classification: Likely benign. Last evaluated: 2026-07-01. Review status: criteria provided, single submitter. Criteria: CeGaT Center For Human Genetics Tuebingen Variant Classification Criteria Version 2. Collection method: clinical testing. Allele origin: germline. Affected: yes. Observed: 1 variant allele.
Comment: COL6A3: PM2:Supporting, BP4, BP7